The following is an entry in ClinVar:

NM_001042492.3(NF1):c.2146_2149del (p.Glu716fs)

Gene: NF1 (neurofibromin 1; plus strand). Cytogenetic location: 17q11.2.
Variant type: Deletion.
Coding change: c.2146_2149del on transcript NM_001042492.3 (MANE Select); coding-DNA positions 2146 to 2149, 4 bases deleted (GAAG; older notation c.2146_2149delGAAG).
Protein change: p.Glu716fs; shifts the reading frame from glutamic acid 716.
Molecular consequence: frameshift variant.
Genome position (GRCh38, 1-based): chr17:31,226,579-31,226,582, GAAG deleted; deleting any 4 consecutive bases within chr17:31,226,577-31,226,582 gives the same sequence; the c. name uses the placement nearest the transcript's 3' end. VCF-style (leftmost placement, unchanged base first): chr17-31226576-GAGGA-G. GRCh37 (hg19) VCF-style: chr17-29553594-GAGGA-G.
Other names: c.2146_2149delGAAG, p.Glu716Glnfs (NM_000267.4); c.2146_2149delGAAG (NM_000267.3); short protein forms E716fs.
Identifiers: ClinVar variation 3879102 (VCV003879102.1).
Genomic context (GRCh38, chr17:31,226,576, plus strand): 5'-CTGTGGAACCCTGACACTGAAGCTGTTCTGGTTGCCATGTCCTGTTTCCGCCACCTCTGT[GAGGA>G]AGCAGATATCCGGTGTGGGGTGGATGAAGTGTCAGTGCATAACCTCTTGCCCAACTATAA-3'

ClinVar aggregate classification (germline): Pathogenic (1 of 4 stars; one submission).

Conditions:
Cardiovascular phenotype. Identifiers: MedGen CN230736.
Hereditary cancer-predisposing syndrome. Also called: Tumor predisposition; Neoplastic Syndromes, Hereditary; Hereditary Cancer Syndrome; Hereditary neoplastic syndrome. Identifiers: Orphanet 140162, MedGen C0027672, MeSH D009386, MONDO:0015356.

Submission:

Ambry Genetics
Classification: Pathogenic for Cardiovascular phenotype; Hereditary cancer-predisposing syndrome. Last evaluated: 2025-03-07. Review status: criteria provided, single submitter. Criteria: Ambry Variant Classification Scheme 2023. Collection method: clinical testing. Allele origin: germline.
Comment: The c.2146_2149delGAAG pathogenic mutation, located in coding exon 18 of the NF1 gene, results from a deletion of 4 nucleotides at nucleotide positions 2146 to 2149, causing a translational frameshift with a predicted alternate stop codon (p.E716Qfs*31). This variant is considered to be rare based on population cohorts in the Genome Aggregation Database (gnomAD). This alteration is expected to result in loss of function by premature protein truncation or nonsense-mediated mRNA decay. As such, this alteration is interpreted as a disease-causing mutation.